The following is an entry in ClinVar:

ClinVar aggregate classification (germline): Pathogenic (1 of 4 stars; one submission).

Submission:

Labcorp Genetics (formerly Invitae), Labcorp
Classification: Pathogenic. Last evaluated: 2022-03-11. Review status: criteria provided, single submitter. Criteria: Invitae Variant Classification Sherloc (09022015). Collection method: clinical testing. Allele origin: germline.
Comment: For these reasons, this variant has been classified as Pathogenic. This variant disrupts a region of the RP1 protein in which other variant(s) (p.Ile2061Serfs*12) have been determined to be pathogenic (PMID: 29425069, 30027431; Invitae). This suggests that this is a clinically significant region of the protein, and that variants that disrupt it are likely to be disease-causing. This variant has not been reported in the literature in individuals affected with RP1-related conditions. This variant is not present in population databases (gnomAD no frequency). This sequence change creates a premature translational stop signal (p.Ser1645Phefs*65) in the RP1 gene. While this is not anticipated to result in nonsense mediated decay, it is expected to disrupt the last 512 amino acid(s) of the RP1 protein.

Literature cited by the submitters: PubMed 29425069; PubMed 30027431.

NM_006269.2(RP1):c.4934del (p.Ser1645fs)

Genes: RP1 (RP1 axonemal microtubule associated; plus strand), LOC126860392 (CDK7 strongly-dependent group 2 enhancer GRCh37_chr8:55541319-55542518; plus strand). Cytogenetic location: 8q12.1.
Variant type: Deletion.
Coding change: c.4934del on transcript NM_006269.2 (MANE Select); coding-DNA position 4934, one base deleted (C; older notation c.4934delC).
Protein change: p.Ser1645fs; shifts the reading frame from serine 1645.
Molecular consequence: frameshift variant. On other transcripts: intron variant (1).
Genome position (GRCh38, 1-based): chr8:54,628,816, C deleted. VCF-style (leftmost placement, unchanged base first): chr8-54628815-TC-T. GRCh37 (hg19) VCF-style: chr8-55541375-TC-T.
Other names: c.787+6528del (NM_001375654.1); short protein forms S1645fs.
Identifiers: ClinVar variation 2109210 (VCV002109210.4), dbSNP rs2536586783, ClinGen allele CA2580078416.